The following is an entry in ClinVar:

NM_001009999.3(KDM1A):c.218G>A (p.Gly73Asp)

Gene: KDM1A (lysine demethylase 1A; plus strand). Cytogenetic location: 1p36.12.
Variant type: single nucleotide variant.
Coding change: c.218G>A on transcript NM_001009999.3 (MANE Select); coding-DNA position 218, G replaced by A.
Protein change: p.Gly73Asp; replaces glycine 73 with aspartic acid.
Molecular consequence: missense variant.
Genome position (GRCh38, 1-based): chr1:23,019,814, G>A. VCF-style: chr1-23019814-G-A. GRCh37 (hg19) VCF-style: chr1-23346307-G-A.
Other names: c.218G>A (NM_001009999.2); c.218G>A, p.Gly73Asp (NM_001363654.2, NM_001410762.1, NM_001410763.1 and 1 more transcripts); short protein forms G73D.
Identifiers: ClinVar variation 3678275 (VCV003678275.3).
Genomic context (GRCh38, chr1:23,019,814, plus strand): 5'-GGGCGGTGGGGGAGCGCACACCCCGCAAGAAAGAGCCTCCGCGGGCCTCGCCCCCCGGGG[G>A]CCTGGCGGAACCGCCGGGGTCCGCAGGGCCTCAGGCCGGCCCTACTGTCGTGCCTGGGTC-3'
Protein context (NP_001009999.1, residues 63-83): KEPPRASPPG[Gly73Asp]LAEPPGSAGP

ClinVar aggregate classification (germline): Uncertain significance. Review status: criteria provided, multiple submitters, no conflicts (2 of 4 stars). 2 submissions from 2 submitters: Uncertain significance (2). Last evaluated 2025-01-27.

Conditions:
Inborn genetic diseases. Identifiers: MedGen C0950123, MeSH D030342.

gnomAD v4.1: 1 of 1,415,646 alleles (0.000071%); highest among the groups gnomAD compares: Non-Finnish European, 0.000092%; no homozygotes.

Submissions (2):

Ambry Genetics
Classification: Uncertain significance for Inborn genetic diseases. Last evaluated: 2025-01-27. Review status: criteria provided, single submitter. Criteria: Ambry Variant Classification Scheme 2023. Collection method: clinical testing. Allele origin: germline.
Comment: The p.G73D variant (also known as c.218G>A), located in coding exon 1 of the KDM1A gene, results from a G to A substitution at nucleotide position 218. The glycine at codon 73 is replaced by aspartic acid, an amino acid with similar properties. This amino acid position is conserved. In addition, this alteration is predicted to be tolerated by in silico analysis. Based on the available evidence, the clinical significance of this variant remains unclear.

Labcorp Genetics (formerly Invitae), Labcorp
Classification: Uncertain significance. Last evaluated: 2024-10-12. Review status: criteria provided, single submitter. Criteria: Invitae Variant Classification Sherloc (09022015). Collection method: clinical testing. Allele origin: germline.
Comment: This sequence change replaces glycine, which is neutral and non-polar, with aspartic acid, which is acidic and polar, at codon 73 of the KDM1A protein (p.Gly73Asp). This variant is not present in population databases (gnomAD no frequency). This variant has not been reported in the literature in individuals affected with KDM1A-related conditions. An algorithm developed to predict the effect of missense changes on protein structure and function (PolyPhen-2) suggests that this variant is likely to be disruptive. In summary, the available evidence is currently insufficient to determine the role of this variant in disease. Therefore, it has been classified as a Variant of Uncertain Significance.